The following is an entry in ClinVar:

ClinVar aggregate classification (germline): Likely benign (1 of 4 stars; one submission).

Allele frequency attached by ClinVar (database versions not stated): 1000 Genomes Project 30x 0.00016; 1000 Genomes Project 0.00020; TOPMed 0.00041; gnomAD 0.00045; ESP Exome Variant Server 0.00062.
gnomAD v4.1: 1,055 of 1,614,116 alleles (0.065%); highest among the groups gnomAD compares: Non-Finnish European, 0.082%; no homozygotes.

Submission:

GeneDx
Classification: Likely benign. Last evaluated: 2018-04-20. Review status: criteria provided, single submitter. Criteria: GeneDx Variant Classification (06012015). Collection method: clinical testing. Allele origin: germline. Affected: yes.
Comment: This variant is considered likely benign or benign based on one or more of the following criteria: it is a conservative change, it occurs at a poorly conserved position in the protein, it is predicted to be benign by multiple in silico algorithms, and/or has population frequency not consistent with disease.

NM_001347995.2(ENTREP1):c.1698C>A (p.Gly566=)

Gene: ENTREP1 (endosomal transmembrane epsin interactor 1; plus strand). Cytogenetic location: 9q21.12.
Variant type: single nucleotide variant.
Coding change: c.1698C>A on transcript NM_001347995.2 (MANE Select); coding-DNA position 1698, C replaced by A.
Protein change: p.Gly566=; no amino-acid change (glycine 566 retained).
Molecular consequence: synonymous variant.
Genome position (GRCh38, 1-based): chr9:69,391,690, C>A. VCF-style: chr9-69391690-C-A. GRCh37 (hg19) VCF-style: chr9-72006606-C-A.
Other names: c.1239C>A, p.Gly413= (NM_001127608.3, NM_004816.5).
Identifiers: ClinVar variation 681900 (VCV000681900.2), dbSNP rs147998040, ClinGen allele CA5074562.